The following is an entry in ClinVar:

ClinVar aggregate classification (germline): Pathogenic (1 of 4 stars; one submission).

Conditions:
Multiple endocrine neoplasia, type 1 (MEN1). Also called: Endocrine adenomatosis multiple; MEN 1; MEA I; MEN I; WERMER SYNDROME. Identifiers: Orphanet 652, MedGen C0025267, MeSH D018761, MONDO:0007540, OMIM 131100.

Submission:

Labcorp Genetics (formerly Invitae), Labcorp
Classification: Pathogenic for Multiple endocrine neoplasia, type 1. Last evaluated: 2018-06-19. Review status: criteria provided, single submitter. Criteria: Invitae Variant Classification Sherloc (09022015). Collection method: clinical testing. Allele origin: unknown.
Comment: For these reasons, this variant has been classified as Pathogenic. This deletion removes the functionally conserved nuclear localization signal of the MEN1 protein. Experimental studies have shown that disruption of this region abrogates the ability of MEN1 to bind DNA, regulate target gene expression, and inhibit cell proliferation (PMID: 15331604, 16449969). While this particular variant has not been reported in the literature, larger deletions encompassing exon 10 have been observed in individuals affected with multiple endocrine neoplasia (PMID: 17623761, 28818680, 29036195), and truncating variants in MEN1 are known to be pathogenic (PMID: 17853334, 12112656). This variant is a partial deletion of the genomic region encompassing part of exon 10 (c.1562_*1546del) of the MEN1 gene. While this deletion is not anticipated to result in nonsense mediated decay, it is expected to create a truncated protein product or disrupt mRNA translation.

Literature cited by the submitters: PubMed 15331604; PubMed 16449969; PubMed 17623761; PubMed 28818680; PubMed 29036195; PubMed 17853334; PubMed 12112656.

NC_000011.9:g.(?_64570260)_(64572077_?)del

Genes: MAP4K2 (mitogen-activated protein kinase kinase kinase kinase 2; minus strand), MEN1 (menin 1; minus strand). Cytogenetic location: 11q13.1.
Variant type: Deletion.
Identifiers: ClinVar variation 3244553 (VCV003244553.1).